The following is an entry in ClinVar:

ClinVar aggregate classification (germline): Conflicting classifications of pathogenicity. Review status: criteria provided, conflicting classifications (1 of 4 stars). 4 submissions from 4 submitters: Uncertain significance (3); Likely benign (1). Last evaluated 2026-01-28.

Conditions:
Danon disease. Also called: Glycogen Storage Disease Type IIb; ANTOPOL DISEASE; GSD IIb; LYSOSOMAL GLYCOGEN STORAGE DISEASE WITHOUT ACID MALTASE DEFICIENCY; PSEUDOGLYCOGENOSIS II. Identifiers: Orphanet 34587, MedGen C0878677, MONDO:0010281, OMIM 300257.
Cardiovascular phenotype. Identifiers: MedGen CN230736.

Allele frequency attached by ClinVar (database versions not stated): TOPMed below 0.00001; gnomAD 0.00001; gnomAD exomes 0.00002.
gnomAD v4.1: 19 of 1,205,803 alleles (0.0016%); highest among the groups gnomAD compares: Non-Finnish European, 0.002%; no homozygotes.

Submissions (4):

Labcorp Genetics (formerly Invitae), Labcorp
Classification: Uncertain significance for Danon disease. Last evaluated: 2026-01-28. Review status: criteria provided, single submitter. Criteria: Invitae Variant Classification Sherloc (09022015). Collection method: clinical testing. Allele origin: germline.
Comment: This sequence change replaces glutamic acid, which is acidic and polar, with glycine, which is neutral and non-polar, at codon 334 of the LAMP2 protein (p.Glu334Gly). This variant is present in population databases (no rsID available, gnomAD 0.009%), including at least one homozygous and/or hemizygous individual. This variant has not been reported in the literature in individuals affected with LAMP2-related conditions. ClinVar contains an entry for this variant (Variation ID: 1052022). Invitae Evidence Modeling of protein sequence and biophysical properties (such as structural, functional, and spatial information, amino acid conservation, physicochemical variation, residue mobility, and thermodynamic stability) indicates that this missense variant is expected to disrupt LAMP2 protein function with a positive predictive value of 80%. In summary, the available evidence is currently insufficient to determine the role of this variant in disease. Therefore, it has been classified as a Variant of Uncertain Significance.

CeGaT Center for Human Genetics Tuebingen
Classification: Likely benign. Last evaluated: 2025-12-01. Review status: criteria provided, single submitter. Criteria: CeGaT Center For Human Genetics Tuebingen Variant Classification Criteria Version 2. Collection method: clinical testing. Allele origin: germline. Affected: yes. Observed: 1 variant allele.
Comment: LAMP2: BS2

Ambry Genetics
Classification: Uncertain significance for Cardiovascular phenotype. Last evaluated: 2025-10-22. Review status: criteria provided, single submitter. Criteria: Ambry Variant Classification Scheme 2023. Collection method: clinical testing. Allele origin: germline.
Comment: The p.E334G variant (also known as c.1001A>G), located in coding exon 8 of the LAMP2 gene, results from an A to G substitution at nucleotide position 1001. The glutamic acid at codon 334 is replaced by glycine, an amino acid with similar properties. Based on data from gnomAD, the G allele has an overall frequency of 0.0045% (1/22036) total alleles studied, with 1 hemizygote(s) observed. The highest observed frequency was 0.0092% (1/10853) of European (non-Finnish) alleles. This amino acid position is highly conserved in available vertebrate species. In addition, this alteration is predicted to be deleterious by in silico analysis. Based on the available evidence, the clinical significance of this variant remains unclear.

GeneDx
Classification: Uncertain significance. Last evaluated: 2023-10-13. Review status: criteria provided, single submitter. Criteria: GeneDx Variant Classification Process June 2021. Collection method: clinical testing. Allele origin: germline. Affected: yes.
Comment: Has not been previously published as pathogenic or benign to our knowledge; Not observed at significant frequency in large population cohorts (gnomAD); In silico analysis supports that this missense variant has a deleterious effect on protein structure/function

NM_002294.3(LAMP2):c.1001A>G (p.Glu334Gly)

Gene: LAMP2 (lysosome associated membrane protein 2; minus strand). Cytogenetic location: Xq24.
Variant type: single nucleotide variant.
Coding change: c.1001A>G on transcript NM_002294.3 (MANE Select); coding-DNA position 1001, A replaced by G.
Protein change: p.Glu334Gly; replaces glutamic acid 334 with glycine.
Molecular consequence: missense variant.
Genome position (GRCh38, 1-based): chrX:120,441,822, T>C on the plus strand (A>G on the coding strand, the complement: LAMP2 is on the minus strand). VCF-style: chrX-120441822-T-C. GRCh37 (hg19) VCF-style: chrX-119575677-T-C.
Other names: c.1001A>G, p.Glu334Gly (NM_001122606.1, NM_013995.2); c.1001A>G (NM_002294.2); short protein forms E334G.
Identifiers: ClinVar variation 1052022 (VCV001052022.13), dbSNP rs1319752625, ClinGen allele CA414400083.